The following is an entry in ClinVar:

NM_014874.4(MFN2):c.2048A>G (p.Asn683Ser)

Gene: MFN2 (mitofusin 2; plus strand). Cytogenetic location: 1p36.22.
Variant type: single nucleotide variant.
Coding change: c.2048A>G on transcript NM_014874.4 (MANE Select); coding-DNA position 2048, A replaced by G.
Protein change: p.Asn683Ser; replaces asparagine 683 with serine.
Molecular consequence: missense variant.
Genome position (GRCh38, 1-based): chr1:12,007,228, A>G. VCF-style: chr1-12007228-A-G. GRCh37 (hg19) VCF-style: chr1-12067285-A-G.
Other names: c.2048A>G, p.Asn683Ser (NM_001127660.2); short protein forms N683S.
Identifiers: ClinVar variation 1045262 (VCV001045262.8), dbSNP rs762213417, ClinGen allele CA599306.

ClinVar aggregate classification (germline): Uncertain significance (1 of 4 stars; one submission).

Conditions:
Charcot-Marie-Tooth disease type 2. Also called: Charcot-Marie-Tooth type 2. Identifiers: Orphanet 64746, MedGen C0270914, MONDO:0018993.

Allele frequency attached by ClinVar (database versions not stated): gnomAD exomes 0.00001; ExAC 0.00001; gnomAD 0.00001 and 0.00002; TOPMed 0.00001.
gnomAD v4.1: 23 of 1,613,912 alleles (0.0014%); highest among the groups gnomAD compares: Admixed American, 0.0033%; no homozygotes.

Submission:

Labcorp Genetics (formerly Invitae), Labcorp
Classification: Uncertain significance for Charcot-Marie-Tooth disease type 2. Last evaluated: 2026-01-26. Review status: criteria provided, single submitter. Criteria: Invitae Variant Classification Sherloc (09022015). Collection method: clinical testing. Allele origin: germline.
Comment: This sequence change replaces asparagine, which is neutral and polar, with serine, which is neutral and polar, at codon 683 of the MFN2 protein (p.Asn683Ser). This variant is present in population databases (rs762213417, gnomAD 0.007%). This variant has not been reported in the literature in individuals affected with MFN2-related conditions. ClinVar contains an entry for this variant (Variation ID: 1045262). Invitae Evidence Modeling of protein sequence and biophysical properties (such as structural, functional, and spatial information, amino acid conservation, physicochemical variation, residue mobility, and thermodynamic stability) has been performed for this missense variant. However, the output from this modeling did not meet the statistical confidence thresholds required to predict the impact of this variant on MFN2 protein function. In summary, the available evidence is currently insufficient to determine the role of this variant in disease. Therefore, it has been classified as a Variant of Uncertain Significance.